The following is an entry in ClinVar:

ClinVar aggregate classification (germline): Likely benign (0 of 4 stars; one submission).

Conditions:
INTS1-related disorder. Also called: INTS1-related condition.

Allele frequency attached by ClinVar (database versions not stated): gnomAD exomes 0.00008; ExAC 0.00019; gnomAD 0.00044; TOPMed 0.00059; ESP Exome Variant Server 0.00078; 1000 Genomes Project 0.00120; 1000 Genomes Project 30x 0.00156.
gnomAD v4.1: 178 of 1,612,236 alleles (0.011%); highest among the groups gnomAD compares: African/African-American, 0.19%; no homozygotes.

Submission:

PreventionGenetics, part of Exact Sciences
Classification: Likely benign for INTS1-related condition. Last evaluated: 2019-03-04. Review status: no assertion criteria provided. Collection method: clinical testing. Allele origin: germline.
Comment: This variant is classified as likely benign based on ACMG/AMP sequence variant interpretation guidelines (Richards et al. 2015 PMID: 25741868, with internal and published modifications).

NM_001080453.3(INTS1):c.3381C>T (p.Tyr1127=)

Gene: INTS1 (integrator complex subunit 1; minus strand). Cytogenetic location: 7p22.3.
Variant type: single nucleotide variant.
Coding change: c.3381C>T on transcript NM_001080453.3 (MANE Select); coding-DNA position 3381, C replaced by T.
Protein change: p.Tyr1127=; no amino-acid change (tyrosine 1127 retained).
Molecular consequence: synonymous variant.
Genome position (GRCh38, 1-based): chr7:1,484,051, G>A on the plus strand (C>T on the coding strand, the complement: INTS1 is on the minus strand). VCF-style: chr7-1484051-G-A. GRCh37 (hg19) VCF-style: chr7-1523687-G-A.
Identifiers: ClinVar variation 3046322 (VCV003046322.2), dbSNP rs188264555, ClinGen allele CA4119341.
Genomic context (GRCh38, chr7:1,484,051, plus strand): 5'-CCTCGCCCTCACCCAGCTGTAGACCTCCTCGCCCTCCTTGCTCTGCCGCATGCGCCTCAC[G>A]TAGCGTGAGAAGATGGACAACAGAGCGCTCAGCACGGCGTCCGACGCGGCACTCGGGGAG-3'
Protein context (NP_001073922.2, residues 1117-1137): LSALLSIFSR[Tyr1127=]VRRMRQSKEG